The following is an entry in ClinVar:

NM_007294.4(BRCA1):c.4358C>A (p.Ala1453Glu)

Gene: BRCA1 (BRCA1 DNA repair associated; minus strand). Cytogenetic location: 17q21.31.
Variant type: single nucleotide variant.
Coding change: c.4358C>A on transcript NM_007294.4 (MANE Select); coding-DNA position 4358, C replaced by A.
Protein change: p.Ala1453Glu; replaces alanine 1453 with glutamic acid.
Molecular consequence: missense variant. On other transcripts: intron variant (138).
Genome position (GRCh38, 1-based): chr17:43,076,614, G>T on the plus strand (C>A on the coding strand, the complement: BRCA1 is on the minus strand). VCF-style: chr17-43076614-G-T. GRCh37 (hg19) VCF-style: chr17-41228631-G-T.
Other names: c.4145C>A, p.Ala1382Glu (NM_001407571.1, NM_001407894.1, NM_001407895.1 and 8 more transcripts); c.4424C>A, p.Ala1475Glu (NM_001407581.1, NM_001407582.1); c.4421C>A, p.Ala1474Glu (NM_001407587.1); c.4358C>A, p.Ala1453Glu (NM_001407593.1, NM_001407594.1, NM_001407596.1 and 8 more transcripts); c.4355C>A, p.Ala1452Glu (NM_001407610.1, NM_001407611.1, NM_001407612.1 and 7 more transcripts); c.4352C>A, p.Ala1451Glu (NM_001407627.1, NM_001407628.1, NM_001407629.1 and 3 more transcripts); c.4346C>A, p.Ala1449Glu (NM_001407646.1); c.4301C>A, p.Ala1434Glu (NM_001407648.1); and 98 more; short protein forms A1453E, A1406E, A1157E, A1325E, A1382E, A1404E, A1405E, A1411E.
Identifiers: ClinVar variation 1479797 (VCV001479797.11), dbSNP rs1171055085, ClinGen allele CA10592828.

ClinVar aggregate classification (germline): Uncertain significance. Review status: criteria provided, multiple submitters, no conflicts (2 of 4 stars). 2 submissions from 2 submitters: Uncertain significance (2). Last evaluated 2024-11-20.

Conditions:
Hereditary cancer-predisposing syndrome. Also called: Tumor predisposition; Hereditary Cancer Syndrome; Hereditary neoplastic syndrome; Neoplastic Syndromes, Hereditary. Identifiers: Orphanet 140162, MedGen C0027672, MeSH D009386, MONDO:0015356.
Hereditary breast ovarian cancer syndrome. Also called: Hereditary breast and ovarian cancer; BRCA1- and BRCA2-Associated Hereditary Breast and Ovarian Cancer; Hereditary breast and ovarian cancer syndrome; Hereditary breast and ovarian cancer syndrome (HBOC); Breast and ovarian cancer; Hereditary breast and/or ovarian cancer syndrome. Identifiers: Orphanet 145, MedGen C0677776, MeSH D061325, MONDO:0003582. Disease mechanism: loss of function.

Submissions (2):

Labcorp Genetics (formerly Invitae), Labcorp
Classification: Uncertain significance for Hereditary breast ovarian cancer syndrome. Last evaluated: 2024-11-20. Review status: criteria provided, single submitter. Criteria: Invitae Variant Classification Sherloc (09022015). Collection method: clinical testing. Allele origin: germline.
Comment: This sequence change replaces alanine, which is neutral and non-polar, with glutamic acid, which is acidic and polar, at codon 1453 of the BRCA1 protein (p.Ala1453Glu). This variant is not present in population databases (gnomAD no frequency). This variant has not been reported in the literature in individuals affected with BRCA1-related conditions. ClinVar contains an entry for this variant (Variation ID: 1479797). An algorithm developed to predict the effect of missense changes on protein structure and function (PolyPhen-2) suggests that this variant is likely to be tolerated. Studies have shown that this missense change is associated with inconclusive levels of altered splicing (internal data). In summary, the available evidence is currently insufficient to determine the role of this variant in disease. Therefore, it has been classified as a Variant of Uncertain Significance.

Ambry Genetics
Classification: Uncertain significance for Hereditary cancer-predisposing syndrome. Last evaluated: 2024-09-03. Review status: criteria provided, single submitter. Criteria: Ambry Variant Classification Scheme 2023. Collection method: clinical testing. Allele origin: germline.
Comment: The p.A1453E variant (also known as c.4358C>A) is located in coding exon 12 of the BRCA1 gene. The alanine at codon 1453 is replaced by glutamic acid, an amino acid with dissimilar properties. This change occurs in the first base pair of coding exon 12. This amino acid position is not well conserved in available vertebrate species. In addition, this alteration is predicted to be tolerated by in silico analysis. Since supporting evidence is limited at this time, the clinical significance of this alteration remains unclear.